The following is an entry in ClinVar:

ClinVar aggregate classification (germline): Benign. Review status: criteria provided, multiple submitters, no conflicts (2 of 4 stars). 3 submissions from 3 submitters: Benign (2). 1 of the submissions does not count toward it. Last evaluated 2019-12-31.

Conditions:
XIRP1-related disorder. Also called: XIRP1-related condition.

Allele frequency attached by ClinVar (database versions not stated): ESP Exome Variant Server 0.00085; gnomAD exomes 0.00201 and 0.00920; 1000 Genomes Project 0.00459; gnomAD 0.00491 and 0.00494; 1000 Genomes Project 30x 0.00547; ExAC 0.00663; TOPMed 0.00811.

Submissions (3):

Labcorp Genetics (formerly Invitae), Labcorp
Classification: Benign. Last evaluated: 2019-12-31. Review status: criteria provided, single submitter. Criteria: Invitae Variant Classification Sherloc (09022015). Collection method: clinical testing. Allele origin: germline.

Breakthrough Genomics
Classification: Benign. Review status: criteria provided, single submitter. Criteria: ACMG Guidelines, 2015. Collection method: not provided. Allele origin: germline. Inheritance: Unknown mechanism. Affected: yes.

PreventionGenetics, part of Exact Sciences
Classification: Benign for XIRP1-related condition. Last evaluated: 2019-05-16. Review status: no assertion criteria provided. Collection method: clinical testing. Allele origin: germline. Not counted in ClinVar's aggregate classification.
Comment: This variant is classified as benign based on ACMG/AMP sequence variant interpretation guidelines (Richards et al. 2015 PMID: 25741868, with internal and published modifications).

NM_194293.4(XIRP1):c.2004T>A (p.Leu668=)

Gene: XIRP1 (xin actin binding repeat containing 1; minus strand). Cytogenetic location: 3p22.2.
Variant type: single nucleotide variant.
Coding change: c.2004T>A on transcript NM_194293.4 (MANE Select); coding-DNA position 2004, T replaced by A.
Protein change: p.Leu668=; no amino-acid change (leucine 668 retained).
Molecular consequence: synonymous variant. On other transcripts: intron variant (1).
Genome position (GRCh38, 1-based): chr3:39,187,442, A>T on the plus strand (T>A on the coding strand, the complement: XIRP1 is on the minus strand). VCF-style: chr3-39187442-A-T. GRCh37 (hg19) VCF-style: chr3-39228933-A-T.
Other names: c.2004T>A, p.Leu668= (NM_001198621.4); c.-167-1781T>A (NM_001351377.2).
Identifiers: ClinVar variation 771349 (VCV000771349.7), dbSNP rs147028680, ClinGen allele CA2326377.